The following is an entry in ClinVar:

ClinVar aggregate classification (germline): Pathogenic. Review status: criteria provided, multiple submitters, no conflicts (2 of 4 stars). 2 submissions from 2 submitters: Pathogenic (2). Last evaluated 2024-12-17.

Conditions:
Interstitial lung disease due to ABCA3 deficiency. Also called: PULMONARY ALVEOLAR PROTEINOSIS, CONGENITAL, 3. Identifiers: Orphanet 440402, MedGen C1970456, MONDO:0012582, OMIM 610921.

gnomAD v4.1: 1 of 1,603,978 alleles (0.000062%); highest among the groups gnomAD compares: Non-Finnish European, 0.000085%; no homozygotes.

Submissions (2):

Labcorp Genetics (formerly Invitae), Labcorp
Classification: Pathogenic. Last evaluated: 2024-12-17. Review status: criteria provided, single submitter. Criteria: Invitae Variant Classification Sherloc (09022015). Collection method: clinical testing. Allele origin: germline.
Comment: This sequence change creates a premature translational stop signal (p.Gln1131*) in the ABCA3 gene. It is expected to result in an absent or disrupted protein product. Loss-of-function variants in ABCA3 are known to be pathogenic (PMID: 27516224). This variant is not present in population databases (gnomAD no frequency). This variant has not been reported in the literature in individuals affected with ABCA3-related conditions. For these reasons, this variant has been classified as Pathogenic.

Myriad Genetics, Inc.
Classification: Pathogenic for Interstitial lung disease due to ABCA3 deficiency. Last evaluated: 2024-06-13. Review status: criteria provided, single submitter. Criteria: Myriad Autosomal Dominant, Autosomal Recessive and X-Linked Classification Criteria (2023). Collection method: clinical testing. Allele origin: unknown.
Comment: NM_001089.2(ABCA3):c.3391C>T(Q1131*) is expected to be pathogenic in the context of surfactant deficiency, ABCA3-related. This variant is predicted to lead to an abnormal or absent protein product due to the creation of a premature termination codon in ABCA3, a gene where loss-of-function variants are known to be pathogenic. Please note: this variant was assessed in the context of healthy population screening.

Literature cited by the submitters: PubMed 27516224 (cited by Labcorp Genetics (formerly Invitae), Labcorp).

NM_001089.3(ABCA3):c.3391C>T (p.Gln1131Ter)

Gene: ABCA3 (ATP binding cassette subfamily A member 3; minus strand). Cytogenetic location: 16p13.3.
Variant type: single nucleotide variant.
Coding change: c.3391C>T on transcript NM_001089.3 (MANE Select); coding-DNA position 3391, C replaced by T.
Protein change: p.Gln1131Ter; replaces glutamine 1131 with a stop codon.
Molecular consequence: nonsense.
Genome position (GRCh38, 1-based): chr16:2,285,534, G>A on the plus strand (C>T on the coding strand, the complement: ABCA3 is on the minus strand). VCF-style: chr16-2285534-G-A. GRCh37 (hg19) VCF-style: chr16-2335535-G-A.
Other names: short protein forms Q1131*.
Identifiers: ClinVar variation 3727418 (VCV003727418.3).